The following is an entry in ClinVar:

NM_181703.4(GJA5):c.347A>C (p.Glu116Ala)

Gene: GJA5 (gap junction protein alpha 5; minus strand). Cytogenetic location: 1q21.2.
Variant type: single nucleotide variant.
Coding change: c.347A>C on transcript NM_181703.4 (MANE Select); coding-DNA position 347, A replaced by C.
Protein change: p.Glu116Ala; replaces glutamic acid 116 with alanine.
Molecular consequence: missense variant.
Genome position (GRCh38, 1-based): chr1:147,758,892, T>G on the plus strand (A>C on the coding strand, the complement: GJA5 is on the minus strand). VCF-style: chr1-147758892-T-G. GRCh37 (hg19) VCF-style: chr1-147231000-T-G.
Other names: c.347A>C, p.Glu116Ala (NM_005266.7); short protein forms E116A.
Identifiers: ClinVar variation 1422329 (VCV001422329.8), dbSNP rs782546377, ClinGen allele CA1065782.

ClinVar aggregate classification (germline): Uncertain significance (1 of 4 stars; one submission).

Conditions:
Atrial fibrillation, familial, 11 (ATFB11). Identifiers: MedGen C3279693, MONDO:0013544, OMIM 614049.
Atrial standstill 1 (ATRST1). Also called: ATRIAL CARDIOMYOPATHY WITH HEART BLOCK; CARDIOMYOPATHY, FAMILIAL, WITH CONDUCTION DISTURBANCE; Atrial standstill, digenic (GJA5/SCN5A). Identifiers: Orphanet 1344, MedGen C4551959, MONDO:0007171, OMIM 108770.

Allele frequency attached by ClinVar (database versions not stated): gnomAD exomes below 0.00001; TOPMed below 0.00001; ExAC 0.00002.
gnomAD v4.1: 3 of 1,614,206 alleles (0.00019%); highest among the groups gnomAD compares: Non-Finnish European, 0.00025%; no homozygotes.

Submission:

Labcorp Genetics (formerly Invitae), Labcorp
Classification: Uncertain significance for Atrial fibrillation, familial, 11; Atrial standstill 1. Last evaluated: 2022-08-09. Review status: criteria provided, single submitter. Criteria: Invitae Variant Classification Sherloc (09022015). Collection method: clinical testing. Allele origin: germline.
Comment: In summary, the available evidence is currently insufficient to determine the role of this variant in disease. Therefore, it has been classified as a Variant of Uncertain Significance. Algorithms developed to predict the effect of missense changes on protein structure and function are either unavailable or do not agree on the potential impact of this missense change (SIFT: "Not Available"; PolyPhen-2: "Benign"; Align-GVGD: "Not Available"). ClinVar contains an entry for this variant (Variation ID: 1422329). This variant has not been reported in the literature in individuals affected with GJA5-related conditions. This variant is present in population databases (rs782546377, gnomAD 0.0009%). This sequence change replaces glutamic acid, which is acidic and polar, with alanine, which is neutral and non-polar, at codon 116 of the GJA5 protein (p.Glu116Ala).